The following is an entry in ClinVar:

ClinVar aggregate classification (germline): Uncertain significance (1 of 4 stars; one submission).

Conditions:
Hypertrophic cardiomyopathy. Also called: HYPERTROPHIC MYOCARDIOPATHY. Identifiers: Orphanet 217569, MedGen C0007194, MeSH D002312, MONDO:0005045, HP:0001639.

gnomAD v4.1: 1 of 1,556,228 alleles (0.000064%); highest among the groups gnomAD compares: Non-Finnish European, 0.000087%; no homozygotes.

Submission:

Labcorp Genetics (formerly Invitae), Labcorp
Classification: Uncertain significance for Hypertrophic cardiomyopathy. Last evaluated: 2022-03-20. Review status: criteria provided, single submitter. Criteria: Invitae Variant Classification Sherloc (09022015). Collection method: clinical testing. Allele origin: germline.
Comment: In summary, the available evidence is currently insufficient to determine the role of this variant in disease. Therefore, it has been classified as a Variant of Uncertain Significance. Algorithms developed to predict the effect of missense changes on protein structure and function (SIFT, PolyPhen-2, Align-GVGD) all suggest that this variant is likely to be tolerated. This variant has not been reported in the literature in individuals affected with MYBPC3-related conditions. This variant is not present in population databases (gnomAD no frequency). This sequence change replaces leucine, which is neutral and non-polar, with valine, which is neutral and non-polar, at codon 142 of the MYBPC3 protein (p.Leu142Val).

NM_000256.3(MYBPC3):c.424C>G (p.Leu142Val)

Gene: MYBPC3 (myosin binding protein C3; minus strand). Cytogenetic location: 11p11.2.
Variant type: single nucleotide variant.
Coding change: c.424C>G on transcript NM_000256.3 (MANE Select); coding-DNA position 424, C replaced by G.
Protein change: p.Leu142Val; replaces leucine 142 with valine.
Molecular consequence: missense variant.
Genome position (GRCh38, 1-based): chr11:47,350,095, G>C on the plus strand (C>G on the coding strand, the complement: MYBPC3 is on the minus strand). VCF-style: chr11-47350095-G-C. GRCh37 (hg19) VCF-style: chr11-47371646-G-C.
Other names: short protein forms L142V.
Identifiers: ClinVar variation 1381144 (VCV001381144.6), dbSNP rs2142868228, ClinGen allele CA380339025.